The following is an entry in ClinVar:

ClinVar aggregate classification (germline): Pathogenic/Likely pathogenic. Review status: criteria provided, multiple submitters, no conflicts (2 of 4 stars). 2 submissions from 2 submitters: Pathogenic (1); Likely pathogenic (1). Last evaluated 2024-07-25.

Submissions (2):

Revvity Omics, Revvity
Classification: Likely pathogenic. Last evaluated: 2024-07-25. Review status: criteria provided, single submitter. Criteria: ACMG Guidelines, 2015. Collection method: clinical testing. Allele origin: germline.

ARUP Laboratories, Molecular Genetics and Genomics, ARUP Laboratories
Classification: Pathogenic. Last evaluated: 2024-06-21. Review status: criteria provided, single submitter. Criteria: ARUP Molecular Germline Variant Investigation Process 2024. Collection method: clinical testing. Allele origin: germline.
Comment: The SPTB c.5493dup; p.Glu1832Argfs*74 variant, to our knowledge, is not reported in the medical literature or gene specific databases. This variant is also absent from the Genome Aggregation Database (v2.1.1), indicating it is not a common polymorphism. This variant causes a frameshift by inserting a single nucleotide, so it is predicted to result in a truncated protein or mRNA subject to nonsense-mediated decay. Based on available information, this variant is considered to be pathogenic.

NM_001355436.2(SPTB):c.5493dup (p.Glu1832fs)

Gene: SPTB (spectrin beta, erythrocytic; minus strand). Cytogenetic location: 14q23.3.
Variant type: Duplication.
Coding change: c.5493dup on transcript NM_001355436.2 (MANE Select); coding-DNA position 5493, one base duplicated (C; older notation c.5493dupC).
Protein change: p.Glu1832fs; shifts the reading frame from glutamic acid 1832.
Molecular consequence: frameshift variant.
Genome position (GRCh38, 1-based): chr14:64,772,640, G duplicated on the plus strand (C on the coding strand, the reverse complement: SPTB is on the minus strand); the first of 2 consecutive G bases (chr14:64,772,640-64,772,641); duplicating either gives the same sequence. VCF-style (leftmost placement, unchanged base first): chr14-64772639-C-CG. GRCh37 (hg19) VCF-style: chr14-65239357-C-CG.
Other names: c.5493dup, p.Glu1832fs (NM_001024858.4, NM_001355437.2); short protein forms E1832fs.
Identifiers: ClinVar variation 3766675 (VCV003766675.2).